The following is an entry in ClinVar:

NM_014915.3(ANKRD26):c.3869A>T (p.His1290Leu)

Gene: ANKRD26 (ankyrin repeat domain containing 26; minus strand). Cytogenetic location: 10p12.1.
Variant type: single nucleotide variant.
Coding change: c.3869A>T on transcript NM_014915.3 (MANE Select); coding-DNA position 3869, A replaced by T.
Protein change: p.His1290Leu; replaces histidine 1290 with leucine.
Molecular consequence: missense variant.
Genome position (GRCh38, 1-based): chr10:27,029,295, T>A on the plus strand (A>T on the coding strand, the complement: ANKRD26 is on the minus strand). VCF-style: chr10-27029295-T-A. GRCh37 (hg19) VCF-style: chr10-27318224-T-A.
Other names: c.3866A>T, p.His1289Leu (NM_001256053.2); short protein forms H1290L, H1289L.
Identifiers: ClinVar variation 4104350 (VCV004104350.1).

ClinVar aggregate classification (germline): Uncertain significance (1 of 4 stars; one submission).

Conditions:
Inborn genetic diseases. Identifiers: MedGen C0950123, MeSH D030342.

Submission:

Ambry Genetics
Classification: Uncertain significance for Inborn genetic diseases. Last evaluated: 2025-08-20. Review status: criteria provided, single submitter. Criteria: Ambry Variant Classification Scheme 2023. Collection method: clinical testing. Allele origin: germline.
Comment: The p.H1290L variant (also known as c.3869A>T), located in coding exon 26 of the ANKRD26 gene, results from an A to T substitution at nucleotide position 3869. The histidine at codon 1290 is replaced by leucine, an amino acid with similar properties. This amino acid position is conserved. In addition, this alteration is predicted to be tolerated by in silico analysis. Based on the available evidence, the clinical significance of this variant remains unclear.